The following is an entry in ClinVar:

ClinVar aggregate classification (germline): Conflicting classifications of pathogenicity. Review status: criteria provided, conflicting classifications (1 of 4 stars). 5 submissions from 5 submitters: Uncertain significance (4); Likely benign (1). Last evaluated 2025-10-07.

Conditions:
Familial thoracic aortic aneurysm and aortic dissection (TAAD). Also called: Thoracic aortic aneurysms and dissections. Identifiers: Orphanet 91387, MedGen C4707243, MONDO:0019625.
Aortic aneurysm, familial thoracic 4 (AAT4). Also called: AORTIC ANEURYSM/AORTIC DISSECTION AND PATENT DUCTUS ARTERIOSUS. Identifiers: MedGen C1851504, MONDO:0007568, OMIM 132900.

Allele frequency attached by ClinVar (database versions not stated): TOPMed below 0.00001; gnomAD exomes 0.00001; ExAC 0.00002.
gnomAD v4.1: 31 of 1,614,188 alleles (0.0019%); highest among the groups gnomAD compares: Non-Finnish European, 0.0025%; no homozygotes.

Submissions (5):

Color Diagnostics, LLC DBA Color Health
Classification: Likely benign for Familial thoracic aortic aneurysm and aortic dissection. Last evaluated: 2025-10-07. Review status: criteria provided, single submitter. Criteria: ACMG Guidelines, 2015. Collection method: clinical testing. Allele origin: germline.

Labcorp Genetics (formerly Invitae), Labcorp
Classification: Uncertain significance for Aortic aneurysm, familial thoracic 4. Last evaluated: 2024-05-11. Review status: criteria provided, single submitter. Criteria: Invitae Variant Classification Sherloc (09022015). Collection method: clinical testing. Allele origin: germline.
Comment: This sequence change replaces serine, which is neutral and polar, with asparagine, which is neutral and polar, at codon 1806 of the MYH11 protein (p.Ser1806Asn). This variant is present in population databases (rs776016983, gnomAD 0.003%). This variant has not been reported in the literature in individuals affected with MYH11-related conditions. ClinVar contains an entry for this variant (Variation ID: 405475). Advanced modeling of protein sequence and biophysical properties (such as structural, functional, and spatial information, amino acid conservation, physicochemical variation, residue mobility, and thermodynamic stability) performed at Invitae indicates that this missense variant is not expected to disrupt MYH11 protein function with a negative predictive value of 95%. In summary, the available evidence is currently insufficient to determine the role of this variant in disease. Therefore, it has been classified as a Variant of Uncertain Significance.

All of Us Research Program, National Institutes of Health
Classification: Uncertain significance for Familial thoracic aortic aneurysm and aortic dissection. Last evaluated: 2024-01-11. Review status: criteria provided, single submitter. Criteria: ACMG Guidelines, 2015. Collection method: clinical testing. Allele origin: germline. Inheritance: Autosomal dominant inheritance. Observed: 3 variant alleles, 3 heterozygotes.
Comment: This missense variant replaces serine with asparagine at codon 1806 of the MYH11 protein. Computational prediction suggests that this variant may not impact protein structure and function (internally defined REVEL score threshold <= 0.5, PMID: 27666373). To our knowledge, functional studies have not been reported for this variant. This variant has not been reported in individuals affected with MYH11-related disorders in the literature. This variant has been identified in 3/251304 chromosomes in the general population by the Genome Aggregation Database (gnomAD). The available evidence is insufficient to determine the role of this variant in disease conclusively. Therefore, this variant is classified as a Variant of Uncertain Significance.

This study involves interpretation of variants in research participants for the purpose of population health screening. Participant phenotype was not available at the time of variant classification. Additional details can be found in publication PMID: 35346344, PMCID: PMC8962531

GeneDx
Classification: Uncertain significance. Last evaluated: 2023-09-15. Review status: criteria provided, single submitter. Criteria: GeneDx Variant Classification Process June 2021. Collection method: clinical testing. Allele origin: germline. Affected: yes.
Comment: Not observed at significant frequency in large population cohorts (gnomAD); In silico analysis supports that this missense variant does not alter protein structure/function; Has not been previously published as pathogenic or benign to our knowledge

CeGaT Center for Human Genetics Tuebingen
Classification: Uncertain significance. Last evaluated: 2023-07-01. Review status: criteria provided, single submitter. Criteria: CeGaT Center For Human Genetics Tuebingen Variant Classification Criteria Version 2. Collection method: clinical testing. Allele origin: germline. Affected: yes. Observed: 1 variant allele.

NM_002474.3(MYH11):c.5396G>A (p.Ser1799Asn)

Genes: MYH11 (myosin heavy chain 11; minus strand), NDE1 (nudE neurodevelopment protein 1; plus strand). Cytogenetic location: 16p13.11.
Variant type: single nucleotide variant.
Coding change: c.5396G>A on transcript NM_002474.3 (MANE Select); coding-DNA position 5396, G replaced by A.
Protein change: p.Ser1799Asn; replaces serine 1799 with asparagine.
Molecular consequence: missense variant. On other transcripts: intron variant (2).
Genome position (GRCh38, 1-based): chr16:15,717,248, C>T on the plus strand (G>A on the coding strand, the complement: MYH11 is on the minus strand). VCF-style: chr16-15717248-C-T. GRCh37 (hg19) VCF-style: chr16-15811105-C-T.
Other names: c.5417G>A, p.Ser1806Asn (NM_001040113.2, NM_001040114.2); c.5396G>A, p.Ser1799Asn (NM_022844.3); c.948-6943C>T (NM_001143979.2, NM_017668.3); short protein forms S1806N, S1799N.
Identifiers: ClinVar variation 405475 (VCV000405475.36), dbSNP rs776016983, ClinGen allele CA7921284.
Genomic context (GRCh38, chr16:15,717,248, plus strand): 5'-AGCGCCGCGATGGTGGACTTGAACTTGGACTTGACGGCCCCCTCCATCTCGTGGAGCTTG[C>T]TCCGGAGCTCCTTGTTCTGCCGCTCGAGCTGCTGCCGGGCACTCTCATTCTTCTGGGCCG-3'
Protein context (NP_002465.1, residues 1789-1809): QLERQNKELR[Ser1799Asn]KLHEMEGAVK